The following is an entry in ClinVar:

ClinVar aggregate classification (germline): Uncertain significance (1 of 4 stars; one submission).

Conditions:
Combined immunodeficiency due to CTPS1 deficiency. Also called: Immunodeficiency 24; Severe combined immunodeficiency due to CTPS1 deficiency. Identifiers: Orphanet 420573, MedGen C4014617, MONDO:0014391, OMIM 615897.

Submission:

Labcorp Genetics (formerly Invitae), Labcorp
Classification: Uncertain significance for Combined immunodeficiency due to CTPS1 deficiency. Last evaluated: 2025-06-22. Review status: criteria provided, single submitter. Criteria: Invitae Variant Classification Sherloc (09022015). Collection method: clinical testing. Allele origin: germline.
Comment: This sequence change replaces isoleucine, which is neutral and non-polar, with valine, which is neutral and non-polar, at codon 98 of the CTPS1 protein (p.Ile98Val). This variant is not present in population databases (gnomAD no frequency). This variant has not been reported in the literature in individuals affected with CTPS1-related conditions. An algorithm developed to predict the effect of missense changes on protein structure and function (PolyPhen-2) suggests that this variant is likely to be disruptive. In summary, the available evidence is currently insufficient to determine the role of this variant in disease. Therefore, it has been classified as a Variant of Uncertain Significance.

NM_001905.4(CTPS1):c.292A>G (p.Ile98Val)

Gene: CTPS1 (CTP synthase 1; plus strand). Cytogenetic location: 1p34.2.
Variant type: single nucleotide variant.
Coding change: c.292A>G on transcript NM_001905.4 (MANE Select); coding-DNA position 292, A replaced by G.
Protein change: p.Ile98Val; replaces isoleucine 98 with valine.
Molecular consequence: missense variant. On other transcripts: non-coding transcript variant (1).
Genome position (GRCh38, 1-based): chr1:40,984,946, A>G. VCF-style: chr1-40984946-A-G. GRCh37 (hg19) VCF-style: chr1-41450618-A-G.
Other names: short protein forms I98V.
Identifiers: ClinVar variation 4721949 (VCV004721949.1).